The following is an entry in ClinVar:

NM_001005361.3(DNM2):c.1351C>T (p.Arg451Trp)

Gene: DNM2 (dynamin 2; plus strand). Cytogenetic location: 19p13.2.
Variant type: single nucleotide variant.
Coding change: c.1351C>T on transcript NM_001005361.3 (MANE Select); coding-DNA position 1351, C replaced by T.
Protein change: p.Arg451Trp; replaces arginine 451 with tryptophan.
Molecular consequence: missense variant.
Genome position (GRCh38, 1-based): chr19:10,798,501, C>T. VCF-style: chr19-10798501-C-T. GRCh37 (hg19) VCF-style: chr19-10909177-C-T.
Other names: c.1351C>T, p.Arg451Trp (NM_001005360.3, NM_001005362.3, NM_001190716.2 and 1 more transcripts); short protein forms R451W.
Identifiers: ClinVar variation 835082 (VCV000835082.11), dbSNP rs372593558, ClinGen allele CA9201127.

ClinVar aggregate classification (germline): Uncertain significance. Review status: criteria provided, multiple submitters, no conflicts (2 of 4 stars). 2 submissions from 2 submitters: Uncertain significance (2). Last evaluated 2025-03-07.

Conditions:
Inborn genetic diseases. Identifiers: MedGen C0950123, MeSH D030342.
Charcot-Marie-Tooth disease dominant intermediate B (CMTDIB). Also called: Charcot-Marie-Tooth disease dominant intermediate 1; CMT DI1; Charcot-Marie-Tooth disease dominant intermediate I; CHARCOT-MARIE-TOOTH NEUROPATHY, DOMINANT INTERMEDIATE B. Identifiers: Orphanet 100044, Orphanet 228179, MedGen C1847902, MONDO:0011674, OMIM 606482.

Allele frequency attached by ClinVar (database versions not stated): gnomAD 0.00001; gnomAD exomes 0.00001; TOPMed 0.00001; ExAC 0.00002; ESP Exome Variant Server 0.00008.
gnomAD v4.1: 9 of 1,614,070 alleles (0.00056%); highest among the groups gnomAD compares: Admixed American, 0.0033%; no homozygotes.

Submissions (2):

Ambry Genetics
Classification: Uncertain significance for Inborn genetic diseases. Last evaluated: 2025-03-07. Review status: criteria provided, single submitter. Criteria: Ambry Variant Classification Scheme 2023. Collection method: clinical testing. Allele origin: germline.

Labcorp Genetics (formerly Invitae), Labcorp
Classification: Uncertain significance for Charcot-Marie-Tooth disease dominant intermediate B. Last evaluated: 2023-11-28. Review status: criteria provided, single submitter. Criteria: Invitae Variant Classification Sherloc (09022015). Collection method: clinical testing. Allele origin: germline.
Comment: This sequence change replaces arginine, which is basic and polar, with tryptophan, which is neutral and slightly polar, at codon 451 of the DNM2 protein (p.Arg451Trp). This variant is present in population databases (rs372593558, gnomAD 0.004%). This variant has not been reported in the literature in individuals affected with DNM2-related conditions. ClinVar contains an entry for this variant (Variation ID: 835082). Advanced modeling of protein sequence and biophysical properties (such as structural, functional, and spatial information, amino acid conservation, physicochemical variation, residue mobility, and thermodynamic stability) has been performed at Invitae for this missense variant, however the output from this modeling did not meet the statistical confidence thresholds required to predict the impact of this variant on DNM2 protein function. In summary, the available evidence is currently insufficient to determine the role of this variant in disease. Therefore, it has been classified as a Variant of Uncertain Significance.